The following is an entry in ClinVar:

ClinVar aggregate classification (germline): Uncertain significance (1 of 4 stars; one submission).

Conditions:
GP6-related disorder. Also called: GP6-related condition.

Submission:

PreventionGenetics, part of Exact Sciences
Classification: Uncertain significance for GP6-related condition. Last evaluated: 2025-11-13. Review status: criteria provided, single submitter. Criteria: ACMG Guidelines, 2015. Collection method: clinical testing. Allele origin: germline.
Comment: The GP6 c.1793_1798del6 variant is predicted to result in an in-frame deletion (p.Leu598_Ala599del). To our knowledge, this variant has not been reported in the literature or in a large population database (gnomAD), indicating this variant is rare. At this time, the clinical significance of this variant is uncertain due to the absence of conclusive functional and genetic evidence.

NM_016363.5(GP6):c.*769_*774del

Gene: GP6 (glycoprotein VI platelet; minus strand). Cytogenetic location: 19q13.42.
Variant type: Deletion.
Coding change: c.*769_*774del on transcript NM_016363.5 (MANE Select); 769 bases downstream of the stop codon through 774 bases downstream of the stop codon, 6 bases deleted (TAGCTC; older notation c.*769_*774delTAGCTC).
Molecular consequence: 3 prime UTR variant. On other transcripts: inframe deletion (2).
Genome position (GRCh38, 1-based): chr19:55,014,147-55,014,152, GAGCTA deleted on the plus strand (TAGCTC on the coding strand, the reverse complement: GP6 is on the minus strand); deleting any 6 consecutive bases within chr19:55,014,147-55,014,155 gives the same sequence; the c. name uses the placement nearest the transcript's 3' end. VCF-style (leftmost placement, unchanged base first): chr19-55014146-CGAGCTA-C. GRCh37 (hg19) VCF-style: chr19-55525514-CGAGCTA-C.
Other names: c.1793_1798del6 (NM_001083899.2); c.1793_1798del, p.Leu598_Ala599del (NM_001083899.2); c.*769_*774del (NM_001256017.2).
Identifiers: ClinVar variation 4982491 (VCV004982491.1).